The following is an entry in ClinVar:

NM_017950.4(CCDC40):c.20C>T (p.Ala7Val)

Gene: CCDC40 (coiled-coil domain 40 molecular ruler complex subunit; plus strand). Cytogenetic location: 17q25.3.
Variant type: single nucleotide variant.
Coding change: c.20C>T on transcript NM_017950.4 (MANE Select); coding-DNA position 20, C replaced by T.
Protein change: p.Ala7Val; replaces alanine 7 with valine.
Molecular consequence: missense variant.
Genome position (GRCh38, 1-based): chr17:80,036,682, C>T. VCF-style: chr17-80036682-C-T. GRCh37 (hg19) VCF-style: chr17-78010481-C-T.
Other names: c.20C>T, p.Ala7Val (NM_001243342.2, NM_001330508.2); short protein forms A7V.
Identifiers: ClinVar variation 3710142 (VCV003710142.2).

ClinVar aggregate classification (germline): Uncertain significance (1 of 4 stars; one submission).

Conditions:
Primary ciliary dyskinesia. Also called: Ciliary dyskinesia. Identifiers: Orphanet 244, MedGen C0008780, MONDO:0016575, HP:0012265.

gnomAD v4.1: 9 of 1,459,016 alleles (0.00062%); highest among the groups gnomAD compares: South Asian, 0.012%; no homozygotes.

Submission:

Labcorp Genetics (formerly Invitae), Labcorp
Classification: Uncertain significance for Primary ciliary dyskinesia. Last evaluated: 2025-02-06. Review status: criteria provided, single submitter. Criteria: Invitae Variant Classification Sherloc (09022015). Collection method: clinical testing. Allele origin: germline.
Comment: This sequence change replaces alanine, which is neutral and non-polar, with valine, which is neutral and non-polar, at codon 7 of the CCDC40 protein (p.Ala7Val). The frequency data for this variant in the population databases is considered unreliable, as metrics indicate poor data quality at this position in the gnomAD database. This variant has not been reported in the literature in individuals affected with CCDC40-related conditions. An algorithm developed to predict the effect of missense changes on protein structure and function (PolyPhen-2) suggests that this variant is likely to be tolerated. In summary, the available evidence is currently insufficient to determine the role of this variant in disease. Therefore, it has been classified as a Variant of Uncertain Significance.